The following is an entry in ClinVar:

NM_001127173.3(CADM3):c.89-2118G>A

Gene: CADM3 (cell adhesion molecule 3; plus strand). Cytogenetic location: 1q23.2.
Variant type: single nucleotide variant.
Coding change: c.89-2118G>A on transcript NM_001127173.3 (MANE Select); 2118 bases into the intron before coding-DNA position 89, G replaced by A.
Molecular consequence: intron variant. On other transcripts: missense variant (1).
Genome position (GRCh38, 1-based): chr1:159,189,818, G>A. VCF-style: chr1-159189818-G-A. GRCh37 (hg19) VCF-style: chr1-159159608-G-A.
Other names: c.136G>A, p.Asp46Asn (NM_021189.5); c.89-2118G>A (NM_001346510.2); short protein forms D46N.
Identifiers: ClinVar variation 4881686 (VCV004881686.2).

ClinVar aggregate classification (germline): Uncertain significance (1 of 4 stars; one submission).

gnomAD v4.1: 54 of 1,607,622 alleles (0.0034%); highest among the groups gnomAD compares: South Asian, 0.058%; no homozygotes.

Submission:

Dasa
Classification: Uncertain significance. Last evaluated: 2025-07-29. Review status: criteria provided, single submitter. Criteria: DASA Assertion Criteria. Collection method: clinical testing. Allele origin: germline.
Comment: NM_021189.5(CADM3):c.136G>A (p.Asp46Asn) is a missense variant that results in the substitution of aspartic acid with asparagine. This variant is rare in population databases. Computational prediction algorithms are consistent with a benign effect. The currently available literature and clinical evidence are not sufficient to establish a definitive association between this variant and the reported condition. Therefore, this variant is classified as a variant of uncertain significance.